The following is an entry in ClinVar:

NM_021926.4(ALX4):c.*972C>T

Gene: ALX4 (ALX homeobox 4; minus strand). Cytogenetic location: 11p11.2.
Variant type: single nucleotide variant.
Coding change: c.*972C>T on transcript NM_021926.4 (MANE Select); 972 bases downstream of the stop codon, C replaced by T.
Molecular consequence: 3 prime UTR variant.
Genome position (GRCh38, 1-based): chr11:44,263,882, G>A on the plus strand (C>T on the coding strand, the complement: ALX4 is on the minus strand). VCF-style: chr11-44263882-G-A. GRCh37 (hg19) VCF-style: chr11-44285432-G-A.
Other names: c.*972C>T (LRG_1256t1).
Identifiers: ClinVar variation 304674 (VCV000304674.5), dbSNP rs151214135, ClinGen allele CA10638558.
Genomic context (GRCh38, chr11:44,263,882, plus strand): 5'-CCATGCCGGGACACTGCTGAGCAGCCCCAGGGAGGGGCCAGGGTAGGGCAGGGAAGAGAC[G>A]AGCCCCTCCGCATCCTCCTGGAGGGAACCTGACTGGGCTCTGGATGGAGAACAAAGCTGC-3'

ClinVar aggregate classification (germline): Benign (1 of 4 stars; one submission).

Conditions:
Parietal foramina 2 (PFM2). Identifiers: Orphanet 60015, MedGen C1865044, MONDO:0012309, OMIM 609597.

Allele frequency attached by ClinVar (database versions not stated): 1000 Genomes Project 30x 0.01374; 1000 Genomes Project 0.01378; gnomAD 0.01593; TOPMed 0.01628; gnomAD exomes 0.02941.
gnomAD v4.1: 2,608 of 152,462 alleles (1.7%); highest among the groups gnomAD compares: South Asian, 3.7%; 40 homozygotes.

Submission:

Illumina Laboratory Services, Illumina
Classification: Benign for Parietal foramina 2. Last evaluated: 2018-01-13. Review status: criteria provided, single submitter. Criteria: ICSL Variant Classification Criteria 13 December 2019. Collection method: clinical testing. Allele origin: germline.
Comment: This variant was observed in the ICSL laboratory as part of a predisposition screen in an ostensibly healthy population. It had not been previously curated by ICSL or reported in the Human Gene Mutation Database (HGMD: prior to June 1st, 2018), and was therefore a candidate for classification through an automated scoring system. Utilizing variant allele frequency, disease prevalence and penetrance estimates, and inheritance mode, an automated score was calculated to assess if this variant is too frequent to cause the disease. Based on the score and internal cut-off values, a variant classified as benign is not then subjected to further curation. The score for this variant resulted in a classification of benign for this disease.